The following is an entry in ClinVar:

NM_172107.4(KCNQ2):c.622A>G (p.Met208Val)

Gene: KCNQ2 (potassium voltage-gated channel subfamily Q member 2; minus strand). Cytogenetic location: 20q13.33.
Variant type: single nucleotide variant.
Coding change: c.622A>G on transcript NM_172107.4 (MANE Select); coding-DNA position 622, A replaced by G.
Protein change: p.Met208Val; replaces methionine 208 with valine.
Molecular consequence: missense variant.
Genome position (GRCh38, 1-based): chr20:63,444,727, T>C on the plus strand (A>G on the coding strand, the complement: KCNQ2 is on the minus strand). VCF-style: chr20-63444727-T-C. GRCh37 (hg19) VCF-style: chr20-62076080-T-C.
Other names: c.622A>G, p.Met208Val (NM_004518.6, NM_172106.3, NM_172108.5 and 1 more transcripts); short protein forms M208V.
Identifiers: ClinVar variation 21793 (VCV000021793.12), dbSNP rs118192201, ClinGen allele CA342516.

ClinVar aggregate classification (germline): Pathogenic. Review status: criteria provided, single submitter (1 of 4 stars). 2 submissions from 2 submitters: Pathogenic (1). 1 of the submissions does not count toward it. Last evaluated 2024-02-15.

Conditions:
Early-infantile DEE. Also called: Early infantile epileptic encephalopathy with suppression bursts; Ohtahara syndrome; Early infantile epileptic encephalopathy. Identifiers: Orphanet 1934, MedGen C0393706, MONDO:0800491.
Seizures, benign familial neonatal, 1. Also called: Benign Neonatal Epilepsy 1; KCNQ2-Related Benign Familial Neonatal Epilepsy; KCNQ2-Related Self-Limited Familial Neonatal Epilepsy (SLFNE); Seizures, benign neonatal, 1. Identifiers: Orphanet 1949, MedGen C3149074, MONDO:0007365, OMIM 121200.

Submissions (2):

Labcorp Genetics (formerly Invitae), Labcorp
Classification: Pathogenic for Early-infantile DEE. Last evaluated: 2024-02-15. Review status: criteria provided, single submitter. Criteria: Invitae Variant Classification Sherloc (09022015). Collection method: clinical testing. Allele origin: germline.
Comment: This sequence change replaces methionine, which is neutral and non-polar, with valine, which is neutral and non-polar, at codon 208 of the KCNQ2 protein (p.Met208Val). This variant is not present in population databases (gnomAD no frequency). This missense change has been observed in individual(s) with benign familial neonatal seizures or Ohtahara syndrome (PMID: 14534157, 29429461). In at least one individual the variant was observed to be de novo. ClinVar contains an entry for this variant (Variation ID: 21793). Advanced modeling of protein sequence and biophysical properties (such as structural, functional, and spatial information, amino acid conservation, physicochemical variation, residue mobility, and thermodynamic stability) performed at Invitae indicates that this missense variant is expected to disrupt KCNQ2 protein function with a positive predictive value of 95%. Experimental studies have shown that this missense change affects KCNQ2 function (PMID: 14534157). For these reasons, this variant has been classified as Pathogenic.

GeneReviews
No classification provided. Condition: Seizures, benign familial neonatal, 1. Review status: no classification provided. Collection method: literature only. Allele origin: germline. Affected: yes. Not counted in ClinVar's aggregate classification.
Comment: BFNE (benign familial neonatal epilepsy). GS (generalized seizures) between 4 and 7 years.

Functional effect: Small decrease in maximal current; increased rate of channel deactivation

Literature cited by the submitters: PubMed 14534157 (cited by Labcorp Genetics (formerly Invitae), Labcorp and GeneReviews); PubMed 29429461 (cited by Labcorp Genetics (formerly Invitae), Labcorp); NCBI Bookshelf NBK32534 (cited by GeneReviews).